The following is an entry in ClinVar:

ClinVar aggregate classification (germline): Uncertain significance (1 of 4 stars; one submission).

Allele frequency attached by ClinVar (database versions not stated): ExAC 0.00003; gnomAD 0.00003 and 0.00005; gnomAD exomes 0.00003; ESP Exome Variant Server 0.00032; TOPMed 0.00009; 1000 Genomes Project 30x 0.00016; 1000 Genomes Project 0.00020.

Submission:

Labcorp Genetics (formerly Invitae), Labcorp
Classification: Uncertain significance. Last evaluated: 2022-08-05. Review status: criteria provided, single submitter. Criteria: Invitae Variant Classification Sherloc (09022015). Collection method: clinical testing. Allele origin: germline.
Comment: This sequence change replaces proline, which is neutral and non-polar, with leucine, which is neutral and non-polar, at codon 19 of the PEPD protein (p.Pro19Leu). This variant is present in population databases (rs377085952, gnomAD 0.02%). This variant has not been reported in the literature in individuals affected with PEPD-related conditions. ClinVar contains an entry for this variant (Variation ID: 1477238). Algorithms developed to predict the effect of missense changes on protein structure and function are either unavailable or do not agree on the potential impact of this missense change (SIFT: "Deleterious"; PolyPhen-2: "Probably Damaging"; Align-GVGD: "Class C15"). In summary, the available evidence is currently insufficient to determine the role of this variant in disease. Therefore, it has been classified as a Variant of Uncertain Significance.

NM_000285.4(PEPD):c.56C>T (p.Pro19Leu)

Gene: PEPD (peptidase D; minus strand). Cytogenetic location: 19q13.11.
Variant type: single nucleotide variant.
Coding change: c.56C>T on transcript NM_000285.4 (MANE Select); coding-DNA position 56, C replaced by T.
Protein change: p.Pro19Leu; replaces proline 19 with leucine.
Molecular consequence: missense variant.
Genome position (GRCh38, 1-based): chr19:33,512,738, G>A on the plus strand (C>T on the coding strand, the complement: PEPD is on the minus strand). VCF-style: chr19-33512738-G-A. GRCh37 (hg19) VCF-style: chr19-34003644-G-A.
Other names: c.56C>T, p.Pro19Leu (NM_001166056.2, NM_001166057.2); short protein forms P19L.
Identifiers: ClinVar variation 1477238 (VCV001477238.5), dbSNP rs377085952, ClinGen allele CA9364508.